The following is an entry in ClinVar:

ClinVar aggregate classification (germline): Uncertain significance (1 of 4 stars; one submission).

Submission:

GeneDx
Classification: Uncertain significance. Last evaluated: 2023-02-03. Review status: criteria provided, single submitter. Criteria: GeneDx Variant Classification Process June 2021. Collection method: clinical testing. Allele origin: germline. Affected: yes.
Comment: Not observed at significant frequency in large population cohorts (gnomAD); In silico analysis supports that this missense variant has a deleterious effect on protein structure/function; Has not been previously published as pathogenic or benign to our knowledge

NM_003922.4(HERC1):c.2686C>T (p.His896Tyr)

Gene: HERC1 (HECT and RLD domain containing E3 ubiquitin protein ligase family member 1; minus strand). Cytogenetic location: 15q22.31.
Variant type: single nucleotide variant.
Coding change: c.2686C>T on transcript NM_003922.4 (MANE Select); coding-DNA position 2686, C replaced by T.
Protein change: p.His896Tyr; replaces histidine 896 with tyrosine.
Molecular consequence: missense variant.
Genome position (GRCh38, 1-based): chr15:63,733,106, G>A on the plus strand (C>T on the coding strand, the complement: HERC1 is on the minus strand). VCF-style: chr15-63733106-G-A. GRCh37 (hg19) VCF-style: chr15-64025305-G-A.
Other names: short protein forms H896Y.
Identifiers: ClinVar variation 2579328 (VCV002579328.1), dbSNP rs2551700238, ClinGen allele CA392760946.